The following is an entry in ClinVar:

ClinVar aggregate classification (germline): Pathogenic (1 of 4 stars; one submission).

Conditions:
Familial focal epilepsy with variable foci (FPEVF). Identifiers: Orphanet 98820, MedGen C1858477, MONDO:0020310.

gnomAD v4.1: 1 of 1,613,704 alleles (0.000062%); no homozygotes.

Submission:

Labcorp Genetics (formerly Invitae), Labcorp
Classification: Pathogenic for Familial focal epilepsy with variable foci. Last evaluated: 2024-01-24. Review status: criteria provided, single submitter. Criteria: Invitae Variant Classification Sherloc (09022015). Collection method: clinical testing. Allele origin: germline.
Comment: This sequence change creates a premature translational stop signal (p.Trp402*) in the DEPDC5 gene. It is expected to result in an absent or disrupted protein product. Loss-of-function variants in DEPDC5 are known to be pathogenic (PMID: 23542697, 23542701). This variant is not present in population databases (gnomAD no frequency). This variant has not been reported in the literature in individuals affected with DEPDC5-related conditions. For these reasons, this variant has been classified as Pathogenic.

Literature cited by the submitters: PubMed 23542697; PubMed 23542701.

NM_001242896.3(DEPDC5):c.1206G>A (p.Trp402Ter)

Gene: DEPDC5 (DEP domain containing 5, GATOR1 subcomplex subunit; plus strand). Cytogenetic location: 22q12.3.
Variant type: single nucleotide variant.
Coding change: c.1206G>A on transcript NM_001242896.3 (MANE Select); coding-DNA position 1206, G replaced by A.
Protein change: p.Trp402Ter; replaces tryptophan 402 with a stop codon.
Molecular consequence: nonsense. On other transcripts: non-coding transcript variant (5).
Genome position (GRCh38, 1-based): chr22:31,804,904, G>A. VCF-style: chr22-31804904-G-A. GRCh37 (hg19) VCF-style: chr22-32200890-G-A.
Other names: c.1206G>A, p.Trp402Ter (NM_001007188.4, NM_001136029.4, NM_001242897.2 and 7 more transcripts); c.1122G>A, p.Trp374Ter (NM_001369901.1, NM_001369902.1); short protein forms W374*, W402*.
Identifiers: ClinVar variation 2711155 (VCV002711155.3), dbSNP rs2518938857, ClinGen allele CA411293635.